The following is an entry in ClinVar:

ClinVar aggregate classification (germline): Uncertain significance (1 of 4 stars; one submission).

Allele frequency attached by ClinVar (database versions not stated): gnomAD exomes 0.00007 and 0.00017; TOPMed 0.00065; 1000 Genomes Project 0.00080; ESP Exome Variant Server 0.00085; ExAC 0.00018; 1000 Genomes Project 30x 0.00062.
gnomAD v4.1: 198 of 1,607,282 alleles (0.012%); highest among the groups gnomAD compares: African/African-American, 0.2%; 1 homozygote.

Submission:

Labcorp Genetics (formerly Invitae), Labcorp
Classification: Uncertain significance. Last evaluated: 2025-12-21. Review status: criteria provided, single submitter. Criteria: Invitae Variant Classification Sherloc (09022015). Collection method: clinical testing. Allele origin: germline.
Comment: This sequence change replaces glutamine, which is neutral and polar, with histidine, which is basic and polar, at codon 357 of the SIRT1 protein (p.Gln357His). This variant is present in population databases (rs116374368, gnomAD 0.2%), and has an allele count higher than expected for a pathogenic variant. This variant has not been reported in the literature in individuals affected with SIRT1-related conditions. ClinVar contains an entry for this variant (Variation ID: 1479108). An algorithm developed to predict the effect of missense changes on protein structure and function (PolyPhen-2) suggests that this variant is likely to be disruptive. In summary, the available evidence is currently insufficient to determine the role of this variant in disease. Therefore, it has been classified as a Variant of Uncertain Significance.

NM_012238.5(SIRT1):c.1071A>T (p.Gln357His)

Gene: SIRT1 (sirtuin 1; plus strand). Cytogenetic location: 10q21.3.
Variant type: single nucleotide variant.
Coding change: c.1071A>T on transcript NM_012238.5 (MANE Select); coding-DNA position 1071, A replaced by T.
Protein change: p.Gln357His; replaces glutamine 357 with histidine.
Molecular consequence: missense variant.
Genome position (GRCh38, 1-based): chr10:67,906,918, A>T. VCF-style: chr10-67906918-A-T. GRCh37 (hg19) VCF-style: chr10-69666675-A-T.
Other names: c.186A>T, p.Gln62His (NM_001142498.2); c.162A>T, p.Gln54His (NM_001314049.2); short protein forms Q54H, Q357H, Q62H.
Identifiers: ClinVar variation 1479108 (VCV001479108.5), dbSNP rs116374368, ClinGen allele CA5521190.
Genomic context (GRCh38, chr10:67,906,918, plus strand): 5'-AAAACTACTTCGCAACTATACCCAGAACATAGACACGCTGGAACAGGTTGCGGGAATCCA[A>T]AGGATAATTCAGTGTCATGGTTAGTAAACTTCAGAGTGGTTTTCTGTAATTTATTTTAGT-3'
Protein context (NP_036370.2, residues 347-367): IDTLEQVAGI[Gln357His]RIIQCHGSFA